The following is an entry in ClinVar:

ClinVar aggregate classification (germline): Uncertain significance (1 of 4 stars; one submission).

Allele frequency attached by ClinVar (database versions not stated): gnomAD 0.00001.
gnomAD v4.1: 1 of 1,613,988 alleles (0.000062%); highest among the groups gnomAD compares: Admixed American, 0.0017%; no homozygotes.

Submission:

Labcorp Genetics (formerly Invitae), Labcorp
Classification: Uncertain significance. Last evaluated: 2022-09-01. Review status: criteria provided, single submitter. Criteria: Invitae Variant Classification Sherloc (09022015). Collection method: clinical testing. Allele origin: germline.
Comment: ClinVar contains an entry for this variant (Variation ID: 1502543). Advanced modeling of protein sequence and biophysical properties (such as structural, functional, and spatial information, amino acid conservation, physicochemical variation, residue mobility, and thermodynamic stability) performed at Invitae indicates that this missense variant is not expected to disrupt COL7A1 protein function. In summary, the available evidence is currently insufficient to determine the role of this variant in disease. Therefore, it has been classified as a Variant of Uncertain Significance. This variant has not been reported in the literature in individuals affected with COL7A1-related conditions. This sequence change replaces valine, which is neutral and non-polar, with isoleucine, which is neutral and non-polar, at codon 1570 of the COL7A1 protein (p.Val1570Ile). This variant is not present in population databases (gnomAD no frequency).

NM_000094.4(COL7A1):c.4708G>A (p.Val1570Ile)

Gene: COL7A1 (collagen type VII alpha 1 chain; minus strand). Cytogenetic location: 3p21.31.
Variant type: single nucleotide variant.
Coding change: c.4708G>A on transcript NM_000094.4 (MANE Select); coding-DNA position 4708, G replaced by A.
Protein change: p.Val1570Ile; replaces valine 1570 with isoleucine.
Molecular consequence: missense variant.
Genome position (GRCh38, 1-based): chr3:48,581,720, C>T on the plus strand (G>A on the coding strand, the complement: COL7A1 is on the minus strand). VCF-style: chr3-48581720-C-T. GRCh37 (hg19) VCF-style: chr3-48619153-C-T.
Other names: short protein forms V1570I.
Identifiers: ClinVar variation 1502543 (VCV001502543.8), dbSNP rs2044772508, ClinGen allele CA352685546.